The following is an entry in ClinVar:

ClinVar aggregate classification (germline): Uncertain significance (1 of 4 stars; one submission).

Conditions:
MAGEL2-related disorder. Also called: MAGEL2-related condition.

Submission:

PreventionGenetics, part of Exact Sciences
Classification: Uncertain significance for MAGEL2-related condition. Last evaluated: 2026-03-31. Review status: criteria provided, single submitter. Criteria: ACMG Guidelines, 2015. Collection method: clinical testing. Allele origin: germline.
Comment: The MAGEL2 c.442C>T variant is predicted to result in the amino acid substitution p.Pro148Ser. To our knowledge, this variant has not been reported in the literature or in a large population database (gnomAD), indicating this variant is rare. At this time, the clinical significance of this variant is uncertain due to the absence of conclusive functional and genetic evidence.

NM_019066.5(MAGEL2):c.442C>T (p.Pro148Ser)

Gene: MAGEL2 (MAGE family member L2; minus strand). Cytogenetic location: 15q11.2.
Variant type: single nucleotide variant.
Coding change: c.442C>T on transcript NM_019066.5 (MANE Select); coding-DNA position 442, C replaced by T.
Protein change: p.Pro148Ser; replaces proline 148 with serine.
Molecular consequence: missense variant.
Genome position (GRCh38, 1-based): chr15:23,647,301, G>A on the plus strand (C>T on the coding strand, the complement: MAGEL2 is on the minus strand). VCF-style: chr15-23647301-G-A. GRCh37 (hg19) VCF-style: chr15-23892448-G-A.
Other names: short protein forms P148S.
Identifiers: ClinVar variation 4997959 (VCV004997959.1).
Genomic context (GRCh38, chr15:23,647,301, plus strand): 5'-GGGTCCCCGGAGGAGGAGGATGGGCCATTGGGGTCCCCGGAGGGGGAGGGTGGGACATTG[G>A]GGTCCCCGGAGGAGGAGGATGGGCCATGGGAGCTCCGGGAGCTGAAGGATGCACCATCAG-3'
Protein context (NP_061939.3, residues 138-158): PMAHPPPPGT[Pro148Ser]MSHPPPPGTP